The following is an entry in ClinVar:

NM_004484.4(GPC3):c.695C>T (p.Ala232Val)

Gene: GPC3 (glypican 3; minus strand). Cytogenetic location: Xq26.2.
Variant type: single nucleotide variant.
Coding change: c.695C>T on transcript NM_004484.4 (MANE Select); coding-DNA position 695, C replaced by T.
Protein change: p.Ala232Val; replaces alanine 232 with valine.
Molecular consequence: missense variant.
Genome position (GRCh38, 1-based): chrX:133,753,819, G>A on the plus strand (C>T on the coding strand, the complement: GPC3 is on the minus strand). VCF-style: chrX-133753819-G-A. GRCh37 (hg19) VCF-style: chrX-132887846-G-A.
Other names: c.695C>T, p.Ala232Val (NM_001164617.2); c.647C>T, p.Ala216Val (NM_001164618.2); c.533C>T, p.Ala178Val (NM_001164619.2); short protein forms A216V, A178V, A232V.
Identifiers: ClinVar variation 955196 (VCV000955196.8), dbSNP rs1206002281, ClinGen allele CA414706060.
Genomic context (GRCh38, chrX:133,753,819, plus strand): 5'-CAGTCCTTACTGAACTTCAGGTGATCAGTTGTGTTGATCACTTCAATTCCAAGATTCAGA[G>A]CCTGAAGGAAGATCCTAGTGACTTGCAGTGACTTGGAAACCTGGGTCATAATAAGCTTGG-3'
Protein context (NP_004475.1, residues 222-242): SLQVTRIFLQ[Ala232Val]LNLGIEVINT

ClinVar aggregate classification (germline): Uncertain significance (1 of 4 stars; one submission).

Conditions:
Wilms tumor 1 (WT1). Also called: Wilms tumor, somatic. Identifiers: Orphanet 654, MedGen CN033288, MONDO:0008679, OMIM 194070.

Allele frequency attached by ClinVar (database versions not stated): TOPMed 0.00001.

Submission:

Labcorp Genetics (formerly Invitae), Labcorp
Classification: Uncertain significance for Wilms tumor 1. Last evaluated: 2024-04-15. Review status: criteria provided, single submitter. Criteria: Invitae Variant Classification Sherloc (09022015). Collection method: clinical testing. Allele origin: germline.
Comment: This sequence change replaces alanine, which is neutral and non-polar, with valine, which is neutral and non-polar, at codon 232 of the GPC3 protein (p.Ala232Val). This variant is not present in population databases (gnomAD no frequency). This variant has not been reported in the literature in individuals affected with GPC3-related conditions. ClinVar contains an entry for this variant (Variation ID: 955196). Advanced modeling of protein sequence and biophysical properties (such as structural, functional, and spatial information, amino acid conservation, physicochemical variation, residue mobility, and thermodynamic stability) has been performed at Invitae for this missense variant, however the output from this modeling did not meet the statistical confidence thresholds required to predict the impact of this variant on GPC3 protein function. In summary, the available evidence is currently insufficient to determine the role of this variant in disease. Therefore, it has been classified as a Variant of Uncertain Significance.